The following is an entry in ClinVar:

NM_002485.5(NBN):c.819A>T (p.Thr273=)

Gene: NBN (nibrin; minus strand). Cytogenetic location: 8q21.3.
Variant type: single nucleotide variant.
Coding change: c.819A>T on transcript NM_002485.5 (MANE Select); coding-DNA position 819, A replaced by T.
Protein change: p.Thr273=; no amino-acid change (threonine 273 retained).
Molecular consequence: synonymous variant.
Genome position (GRCh38, 1-based): chr8:89,970,441, T>A on the plus strand (A>T on the coding strand, the complement: NBN is on the minus strand). VCF-style: chr8-89970441-T-A. GRCh37 (hg19) VCF-style: chr8-90982669-T-A.
Other names: c.573A>T, p.Thr191= (NM_001024688.3).
Identifiers: ClinVar variation 136047 (VCV000136047.27), dbSNP rs147660518, ClinGen allele CA188811.
Genomic context (GRCh38, chr8:89,970,441, plus strand): 5'-TATTGACTGAATCCATTTCTTCTGACAGTCAGGAATTAAGGTCTGTGAGTTTGTTATTCC[T>A]GTATCAACAACACACGTTCCCGGAGCCAAAAAGAAATTATGTTCTTCTTCATTCTCTTCT-3'
Protein context (NP_002476.2, residues 263-283): FLAPGTCVVD[Thr273=]GITNSQTLIP

ClinVar aggregate classification (germline): Benign/Likely benign. Review status: criteria provided, multiple submitters, no conflicts (2 of 4 stars). 9 submissions from 9 submitters: Benign (1); Likely benign (6). 2 of the submissions do not count toward it. Last evaluated 2026-07-01.

Conditions:
NBN-related disorder. Also called: NBN-related condition.
Hereditary cancer-predisposing syndrome. Also called: Neoplastic Syndromes, Hereditary; Tumor predisposition; Hereditary neoplastic syndrome; Hereditary Cancer Syndrome. Identifiers: Orphanet 140162, MedGen C0027672, MeSH D009386, MONDO:0015356.
Microcephaly, normal intelligence and immunodeficiency (NBS). Also called: IMMUNODEFICIENCY, MICROCEPHALY, AND CHROMOSOMAL INSTABILITY; BERLIN BREAKAGE SYNDROME; Immunodeficiency, microcephaly with normal intelligence; SEEMANOVA SYNDROME II; Nijmegen breakage syndrome; Microcephaly with normal intelligence immunodeficiency and lymphoreticular malignancies. Identifiers: Orphanet 647, MedGen C0398791, MONDO:0009623, OMIM 251260.
Malignant tumor of breast. Also called: Malignant breast neoplasm; Cancer breast. Identifiers: MedGen C0006142, MONDO:0007254. Disease mechanism: loss of function.

Allele frequency attached by ClinVar (database versions not stated): gnomAD 0.00006; TOPMed 0.00006; gnomAD exomes 0.00007; ESP Exome Variant Server 0.00008; ExAC 0.00012.
gnomAD v4.1: 166 of 1,613,938 alleles (0.01%); highest among the groups gnomAD compares: Non-Finnish European, 0.013%; no homozygotes.

Submissions (9):

CeGaT Center for Human Genetics Tuebingen
Classification: Likely benign. Last evaluated: 2026-07-01. Review status: criteria provided, single submitter. Criteria: CeGaT Center For Human Genetics Tuebingen Variant Classification Criteria Version 2. Collection method: clinical testing. Allele origin: germline. Affected: yes. Observed: 1 variant allele.
Comment: NBN: BP4, BP7

Labcorp Genetics (formerly Invitae), Labcorp
Classification: Likely benign for Microcephaly, normal intelligence and immunodeficiency. Last evaluated: 2026-01-21. Review status: criteria provided, single submitter. Criteria: Invitae Variant Classification Sherloc (09022015). Collection method: clinical testing. Allele origin: germline.

Blueprint Genetics
Classification: Likely benign. Last evaluated: 2024-09-09. Review status: criteria provided, single submitter. Criteria: ACMG Guidelines, 2015. Collection method: clinical testing. Allele origin: germline.

Women's Health and Genetics/Laboratory Corporation of America, LabCorp
Classification: Likely benign. Last evaluated: 2024-05-20. Review status: criteria provided, single submitter. Criteria: LabCorp Variant Classification Summary - May 2015. Collection method: clinical testing. Allele origin: germline.

Sema4
Classification: Likely benign for Hereditary cancer-predisposing syndrome. Last evaluated: 2021-06-11. Review status: criteria provided, single submitter. Criteria: Sema4 Curation Guidelines. Collection method: curation. Allele origin: germline.

GeneDx
Classification: Benign. Last evaluated: 2015-03-03. Review status: criteria provided, single submitter. Criteria: GeneDx Variant Classification Process June 2021. Collection method: clinical testing. Allele origin: germline. Affected: yes.

Ambry Genetics
Classification: Likely benign for Hereditary cancer-predisposing syndrome. Last evaluated: 2014-11-20. Review status: criteria provided, single submitter. Criteria: Ambry Variant Classification Scheme 2023. Collection method: clinical testing. Allele origin: germline.

PreventionGenetics, part of Exact Sciences
Classification: Likely benign for NBN-related condition. Last evaluated: 2024-09-17. Review status: no assertion criteria provided. Collection method: clinical testing. Allele origin: germline. Not counted in ClinVar's aggregate classification.
Comment: This variant is classified as likely benign based on ACMG/AMP sequence variant interpretation guidelines (Richards et al. 2015 PMID: 25741868, with internal and published modifications).

Department of Pathology and Laboratory Medicine, Sinai Health System
Classification: Likely benign for Malignant tumor of breast. Review status: no assertion criteria provided. Collection method: clinical testing. Allele origin: unknown. Affected: yes. Study: The Canadian Open Genetics Repository (COGR). Not counted in ClinVar's aggregate classification.
Comment: The NBN p.Thr273= variant was not identified in the literature nor was it identified in the LOVD 3.0, or Zhejiang Colon Cancer Database. The variant was identified in the following databases: dbSNP (ID: rs147660518) as With Likely benign allele, ClinVar (classified as likely benign by Invitae, Ambry Genetics), and Clinvitae (classified as likely benign by Invitae and ClinVar). The variant was identified in control databases in 18 of 277090 chromosomes at a frequency of 0.000065, in the following populations: European Non-Finnish in 15 of 126628 chromosomes (freq. 0.0001), Latino in 2 of 34386 chromosomes (freq. 0.0001), African in 1 of 24030 chromosomes (freq.0.00004) (Genome Aggregation Consortium Feb 27, 2017). The p.Thr273= variant is not expected to have clinical significance because it does not result in a change of amino acid and is not located in a known consensus splice site, however 3 of 5 in silico or computational prediction software programs (SpliceSiteFinder, MaxEntScan, NNSPLICE, GeneSplicer, HumanSpliceFinder) predict a greater than 10% difference in splicing (loss); this information is not predictive enough to assume pathogenicity. In summary, based on the above information, the clinical significance of this variant cannot be determined with certainty at this time although we would lean towards a more benign role for this variant. This variant is classified as likely benign.